The following is an entry in ClinVar:

NM_172095.4(CATSPER2):c.915C>T (p.Asp305=)

Gene: CATSPER2 (cation channel sperm associated 2; minus strand). Cytogenetic location: 15q15.3.
Variant type: single nucleotide variant.
Coding change: c.915C>T on transcript NM_172095.4 (MANE Select); coding-DNA position 915, C replaced by T.
Protein change: p.Asp305=; no amino-acid change (aspartic acid 305 retained).
Molecular consequence: synonymous variant. On other transcripts: non-coding transcript variant (2).
Genome position (GRCh38, 1-based): chr15:43,636,147, G>A on the plus strand (C>T on the coding strand, the complement: CATSPER2 is on the minus strand). VCF-style: chr15-43636147-G-A. GRCh37 (hg19) VCF-style: chr15-43928345-G-A.
Other names: c.915C>T, p.Asp305= (NM_001282309.3, NM_172096.1); c.933C>T, p.Asp311= (NM_001282310.2).
Identifiers: ClinVar variation 2645277 (VCV002645277.24), dbSNP rs200270829, ClinGen allele CA7528756.

ClinVar aggregate classification (germline): Likely benign (1 of 4 stars; one submission).

Allele frequency attached by ClinVar (database versions not stated): TOPMed 0.00026; gnomAD 0.00030; gnomAD exomes 0.00040; ESP Exome Variant Server 0.00062; ExAC 0.00086.
gnomAD v4.1: 627 of 1,607,764 alleles (0.039%); highest among the groups gnomAD compares: Non-Finnish European, 0.049%; 8 homozygotes.

Submission:

CeGaT Center for Human Genetics Tuebingen
Classification: Likely benign. Last evaluated: 2023-01-01. Review status: criteria provided, single submitter. Criteria: CeGaT Center For Human Genetics Tuebingen Variant Classification Criteria Version 2. Collection method: clinical testing. Allele origin: germline. Affected: yes. Observed: 1 variant allele.
Comment: CATSPER2: BP4, BP7, BS2